The following is an entry in ClinVar:

NM_000465.4(BARD1):c.2015T>C (p.Phe672Ser)

Gene: BARD1 (BRCA1 associated RING domain 1; minus strand). Cytogenetic location: 2q35.
Variant type: single nucleotide variant.
Coding change: c.2015T>C on transcript NM_000465.4 (MANE Select); coding-DNA position 2015, T replaced by C.
Protein change: p.Phe672Ser; replaces phenylalanine 672 with serine.
Molecular consequence: missense variant. On other transcripts: non-coding transcript variant (3).
Genome position (GRCh38, 1-based): chr2:214,728,995, A>G on the plus strand (T>C on the coding strand, the complement: BARD1 is on the minus strand). VCF-style: chr2-214728995-A-G. GRCh37 (hg19) VCF-style: chr2-215593719-A-G.
Other names: c.1958T>C, p.Phe653Ser (NM_001282543.2); c.662T>C, p.Phe221Ser (NM_001282545.2); c.605T>C, p.Phe202Ser (NM_001282548.2); c.476T>C, p.Phe159Ser (NM_001282549.2); short protein forms F672S, F159S, F653S, F202S, F221S.
Identifiers: ClinVar variation 187289 (VCV000187289.7), dbSNP rs786203617, ClinGen allele CA197257.

ClinVar aggregate classification (germline): Uncertain significance. Review status: criteria provided, multiple submitters, no conflicts (2 of 4 stars). 2 submissions from 2 submitters: Uncertain significance (2). Last evaluated 2022-01-10.

Conditions:
Hereditary cancer-predisposing syndrome. Also called: Neoplastic Syndromes, Hereditary; Tumor predisposition; Hereditary Cancer Syndrome; Hereditary neoplastic syndrome. Identifiers: Orphanet 140162, MedGen C0027672, MeSH D009386, MONDO:0015356.

Submissions (2):

GeneDx
Classification: Uncertain significance. Last evaluated: 2022-01-10. Review status: criteria provided, single submitter. Criteria: GeneDx Variant Classification Process June 2021. Collection method: clinical testing. Allele origin: germline. Affected: yes.
Comment: Not observed at significant frequency in large population cohorts (gnomAD); In silico analysis supports that this missense variant has a deleterious effect on protein structure/function; Has not been previously published as pathogenic or benign to our knowledge; This variant is associated with the following publications: (PMID: 17550235)

Ambry Genetics
Classification: Uncertain significance for Hereditary cancer-predisposing syndrome. Last evaluated: 2014-12-12. Review status: criteria provided, single submitter. Criteria: Ambry Variant Classification Scheme 2023. Collection method: clinical testing. Allele origin: germline.
Comment: The p.F672S variant (also known as c.2015T>C), located in coding exon 11 of the BARD1 gene, results from a T to C substitution at nucleotide position 2015. The phenylalanine at codon 672 is replaced by serine, an amino acid with highly dissimilar properties. This variant was not reported in population based cohorts in the following databases: Database of Single Nucleotide Polymorphisms (dbSNP), NHLBI Exome Sequencing Project (ESP), and 1000 Genomes Project. In the ESP, this variant was not observed in 6503 samples (13006 alleles) with coverage at this position. To date, this alteration has been detected with an allele frequency of approximately 0.003% (greater than 40000 alleles tested) in our clinical cohort. This amino acid position is highly conserved in available vertebrate species. In addition, this alteration is predicted to be deleterious by in silico analysis. Since supporting evidence is limited at this time, the clinical significance of p.F672S remains unclear.